The following is an entry in ClinVar:

ClinVar aggregate classification (germline): Uncertain significance (1 of 4 stars; one submission).

Submission:

Ambry Genetics
Classification: Uncertain significance. Last evaluated: 2026-03-11. Review status: criteria provided, single submitter. Criteria: Ambry Variant Classification Scheme 2023. Collection method: clinical testing. Allele origin: germline.
Comment: The p.S280C variant (also known as c.839C>G), located in coding exon 1 of the TET2 gene, results from a C to G substitution at nucleotide position 839. The serine at codon 280 is replaced by cysteine, an amino acid with dissimilar properties. This amino acid position is conserved. In addition, this alteration is predicted to be tolerated by in silico analysis. Based on the available evidence, the clinical significance of this variant remains unclear.

NM_001127208.3(TET2):c.839C>G (p.Ser280Cys)

Genes: TET2 (tet methylcytosine dioxygenase 2; plus strand), TET2-AS1 (TET2 antisense RNA 1; minus strand). Cytogenetic location: 4q24.
Variant type: single nucleotide variant.
Coding change: c.839C>G on transcript NM_001127208.3 (MANE Select); coding-DNA position 839, C replaced by G.
Protein change: p.Ser280Cys; replaces serine 280 with cysteine.
Molecular consequence: missense variant.
Genome position (GRCh38, 1-based): chr4:105,234,781, C>G. VCF-style: chr4-105234781-C-G. GRCh37 (hg19) VCF-style: chr4-106155938-C-G.
Other names: c.839C>G, p.Ser280Cys (NM_017628.4); short protein forms S280C.
Identifiers: ClinVar variation 4827263 (VCV004827263.1).